The following is an entry in ClinVar:

NM_000101.4(CYBA):c.47_48insCTGTAAGTAGCCCGAG (p.Ala16_Ser17insCysLysTer)

Gene: CYBA (cytochrome b-245 alpha chain; minus strand). Cytogenetic location: 16q24.2.
Variant type: Insertion.
Coding change: c.47_48insCTGTAAGTAGCCCGAG on transcript NM_000101.4 (MANE Select); coding-DNA positions 47 to 48, CTGTAAGTAGCCCGAG inserted.
Protein change: p.Ala16_Ser17insCysLysTer.
Molecular consequence: nonsense.
Genome position: GRCh38 VCF-style: chr16-88650966-C-CCTCGGGCTACTTACAG. GRCh37 (hg19) VCF-style: chr16-88717374-C-CCTCGGGCTACTTACAG.
Identifiers: ClinVar variation 5010940 (VCV005010940.1).

ClinVar aggregate classification (germline): Pathogenic (1 of 4 stars; one submission).

Conditions:
Granulomatous disease, chronic, autosomal recessive, cytochrome b-negative. Also called: CGD DUE TO DEFICIENCY OF THE ALPHA SUBUNIT OF CYTOCHROME b; CGD, AUTOSOMAL RECESSIVE CYTOCHROME b-NEGATIVE; CYBA DEFICIENCY; GRANULOMATOUS DISEASE, CHRONIC, AUTOSOMAL RECESSIVE, 4; Chronic granulomatous disease, autosomal, due to deficiency of CYBA. Identifiers: Orphanet 379, MedGen C1856255, MONDO:0009308, OMIM 233690.

Submission:

Myriad Genetics, Inc.
Classification: Pathogenic for Granulomatous disease, chronic, autosomal recessive, cytochrome b-negative. Last evaluated: 2024-05-14. Review status: criteria provided, single submitter. Criteria: Myriad Autosomal Dominant, Autosomal Recessive and X-Linked Classification Criteria (2023). Collection method: clinical testing. Allele origin: unknown.
Comment: NM_000101.3(CYBA):c.47_48ins16(S17Cfs*3) is expected to be pathogenic in the context of chronic granulomatous disease, CYBA-related. This variant is predicted to lead to an abnormal or absent protein product due to the creation of a premature termination codon in CYBA, a gene where loss-of-function variants are known to be pathogenic. Please note: this variant was assessed in the context of healthy population screening.